The following is an entry in ClinVar:

ClinVar aggregate classification (germline): Uncertain significance (1 of 4 stars; one submission).

gnomAD v4.1: 1 of 1,614,056 alleles (0.000062%); highest among the groups gnomAD compares: Non-Finnish European, 0.000085%; no homozygotes.

Submission:

Women's Health and Genetics/Laboratory Corporation of America, LabCorp
Classification: Uncertain significance. Last evaluated: 2025-06-10. Review status: criteria provided, single submitter. Criteria: LabCorp Variant Classification Summary - May 2015. Collection method: clinical testing. Allele origin: germline.
Comment: Variant summary: EIF2B3 c.956A>G (p.Tyr319Cys) results in a non-conservative amino acid change in the encoded protein sequence. Algorithms developed to predict the effect of missense changes on protein structure and function all suggest that this variant is likely to be disruptive. The variant was absent in 251490 control chromosomes (gnomAD). The available data on variant occurrences in the general population are insufficient to allow any conclusion about variant significance. c.956A>G has been observed in at least one individual affected with Leukoencephalopathy With Vanishing White Matter (Parayil Sankaran_2020). These data do not allow any conclusion about variant significance. To our knowledge, no experimental evidence demonstrating an impact on protein function has been reported. The following publication have been ascertained in the context of this evaluation (PMID: 32180488). No submitters have cited clinical-significance assessments for this variant to ClinVar. Based on the evidence outlined above, the variant was classified as uncertain significance.

Literature cited by the submitters: PubMed 32180488.

NM_020365.5(EIF2B3):c.956A>G (p.Tyr319Cys)

Gene: EIF2B3 (eukaryotic translation initiation factor 2B subunit gamma; minus strand). Cytogenetic location: 1p34.1.
Variant type: single nucleotide variant.
Coding change: c.956A>G on transcript NM_020365.5 (MANE Select); coding-DNA position 956, A replaced by G.
Protein change: p.Tyr319Cys; replaces tyrosine 319 with cysteine.
Molecular consequence: missense variant.
Genome position (GRCh38, 1-based): chr1:44,879,837, T>C on the plus strand (A>G on the coding strand, the complement: EIF2B3 is on the minus strand). VCF-style: chr1-44879837-T-C. GRCh37 (hg19) VCF-style: chr1-45345509-T-C.
Other names: c.956A>G, p.Tyr319Cys (NM_001166588.3, NM_001261418.2); short protein forms Y319C.
Identifiers: ClinVar variation 3907223 (VCV003907223.1).